The following is an entry in ClinVar:

NM_003060.4(SLC22A5):c.1017T>C (p.Asn339=)

Gene: SLC22A5 (solute carrier family 22 member 5; plus strand). Cytogenetic location: 5q31.1.
Variant type: single nucleotide variant.
Coding change: c.1017T>C on transcript NM_003060.4 (MANE Select); coding-DNA position 1017, T replaced by C.
Protein change: p.Asn339=; no amino-acid change (asparagine 339 retained).
Molecular consequence: synonymous variant.
Genome position (GRCh38, 1-based): chr5:132,388,986, T>C. VCF-style: chr5-132388986-T-C. GRCh37 (hg19) VCF-style: chr5-131724678-T-C.
Other names: c.1089T>C, p.Asn363= (NM_001308122.2); c.1017T>C (NM_003060.3).
Identifiers: ClinVar variation 990995 (VCV000990995.11), dbSNP rs758572818, ClinGen allele CA3404042.

ClinVar aggregate classification (germline): Likely benign. Review status: criteria provided, single submitter (1 of 4 stars). 3 submissions from 3 submitters: Likely benign (1). 2 of the submissions do not count toward it. Last evaluated 2026-01-19.

Conditions:
SLC22A5-related disorder. Also called: SLC22A5-related condition.
Renal carnitine transport defect (CDSP). Also called: Carnitine transporter deficiency; Carnitine Deficiency, Systemic; CARNITINE DEFICIENCY, SYSTEMIC, DUE TO DEFECT IN RENAL REABSORPTION OF CARNITINE; CARNITINE TRANSPORTER, PLASMA-MEMBRANE, DEFICIENCY OF; CARNITINE UPTAKE DEFECT; Primary carnitine deficiency. Identifiers: Orphanet 158, MedGen C0342788, MONDO:0008919, OMIM 212140.

Allele frequency attached by ClinVar (database versions not stated): gnomAD exomes 0.00001 and 0.00004; ExAC 0.00003; gnomAD 0.00003 and 0.00004; TOPMed 0.00012.
gnomAD v4.1: 22 of 1,613,682 alleles (0.0014%); highest among the groups gnomAD compares: Admixed American, 0.023%; no homozygotes.

Submissions (3):

Labcorp Genetics (formerly Invitae), Labcorp
Classification: Likely benign for Renal carnitine transport defect. Last evaluated: 2026-01-19. Review status: criteria provided, single submitter. Criteria: Invitae Variant Classification Sherloc (09022015). Collection method: clinical testing. Allele origin: germline.

PreventionGenetics, part of Exact Sciences
Classification: Likely benign for SLC22A5-related condition. Last evaluated: 2023-06-20. Review status: no assertion criteria provided. Collection method: clinical testing. Allele origin: germline. Not counted in ClinVar's aggregate classification.
Comment: This variant is classified as likely benign based on ACMG/AMP sequence variant interpretation guidelines (Richards et al. 2015 PMID: 25741868, with internal and published modifications).

Natera, Inc.
Classification: Uncertain significance for Primary systemic carnitine deficiency. Last evaluated: 2020-08-24. Review status: no assertion criteria provided. Collection method: clinical testing. Allele origin: germline. Not counted in ClinVar's aggregate classification.